The following is an entry in ClinVar:

NM_000458.4(HNF1B):c.163G>A (p.Glu55Lys)

Gene: HNF1B (HNF1 homeobox B; minus strand). Cytogenetic location: 17q12.
Variant type: single nucleotide variant.
Coding change: c.163G>A on transcript NM_000458.4 (MANE Select); coding-DNA position 163, G replaced by A.
Protein change: p.Glu55Lys; replaces glutamic acid 55 with lysine.
Molecular consequence: missense variant.
Genome position (GRCh38, 1-based): chr17:37,744,722, C>T on the plus strand (G>A on the coding strand, the complement: HNF1B is on the minus strand). VCF-style: chr17-37744722-C-T. GRCh37 (hg19) VCF-style: chr17-36104713-C-T.
Other names: c.163G>A, p.Glu55Lys (NM_001165923.4, NM_001304286.2, NM_001411100.1); short protein forms E55K.
Identifiers: ClinVar variation 3028955 (VCV003028955.2), dbSNP rs747360527, ClinGen allele CA8519143.

ClinVar aggregate classification (germline): Uncertain significance (0 of 4 stars; one submission).

Conditions:
HNF1B-related disorder. Also called: HNF1B-related condition; HNF1B-related disorders.

Allele frequency attached by ClinVar (database versions not stated): gnomAD exomes below 0.00001; ExAC 0.00001; gnomAD 0.00002; TOPMed 0.00002.
gnomAD v4.1: 4 of 1,613,278 alleles (0.00025%); highest among the groups gnomAD compares: African/African-American, 0.004%; no homozygotes.

Submission:

PreventionGenetics, part of Exact Sciences
Classification: Uncertain significance for HNF1B-related condition. Last evaluated: 2024-02-07. Review status: no assertion criteria provided. Collection method: clinical testing. Allele origin: germline.
Comment: The HNF1B c.163G>A variant is predicted to result in the amino acid substitution p.Glu55Lys. To our knowledge, this variant has not been reported in the literature. This variant is reported in 0.00089% of alleles in individuals of European (Non-Finnish) descent in gnomAD. At this time, the clinical significance of this variant is uncertain due to the absence of conclusive functional and genetic evidence.